The following is an entry in ClinVar:

NM_004064.5(CDKN1B):c.289G>T (p.Gly97Cys)

Gene: CDKN1B (cyclin dependent kinase inhibitor 1B; plus strand). Cytogenetic location: 12p13.1.
Variant type: single nucleotide variant.
Coding change: c.289G>T on transcript NM_004064.5 (MANE Select); coding-DNA position 289, G replaced by T.
Protein change: p.Gly97Cys; replaces glycine 97 with cysteine.
Molecular consequence: missense variant.
Genome position (GRCh38, 1-based): chr12:12,718,128, G>T. VCF-style: chr12-12718128-G-T. GRCh37 (hg19) VCF-style: chr12-12871062-G-T.
Other names: short protein forms G97C.
Identifiers: ClinVar variation 1797405 (VCV001797405.2), dbSNP rs2136356033, ClinGen allele CA383970055.
Genomic context (GRCh38, chr12:12,718,128, plus strand): 5'-CAAGAGGTGGAGAAGGGCAGCTTGCCCGAGTTCTACTACAGACCCCCGCGGCCCCCCAAA[G>T]GTGCCTGCAAGGTGCCGGCGCAGGAGAGCCAGGATGTCAGCGGGAGCCGCCCGGCGGCGC-3'
Protein context (NP_004055.1, residues 87-107): FYYRPPRPPK[Gly97Cys]ACKVPAQESQ

ClinVar aggregate classification (germline): Uncertain significance (1 of 4 stars; one submission).

Conditions:
Hereditary cancer-predisposing syndrome. Also called: Tumor predisposition; Hereditary Cancer Syndrome; Neoplastic Syndromes, Hereditary; Hereditary neoplastic syndrome. Identifiers: Orphanet 140162, MedGen C0027672, MeSH D009386, MONDO:0015356.

Submission:

Ambry Genetics
Classification: Uncertain significance for Hereditary cancer-predisposing syndrome. Last evaluated: 2021-08-13. Review status: criteria provided, single submitter. Criteria: Ambry Variant Classification Scheme 2023. Collection method: clinical testing. Allele origin: germline.
Comment: The p.G97C variant (also known as c.289G>T), located in coding exon 1 of the CDKN1B gene, results from a G to T substitution at nucleotide position 289. The glycine at codon 97 is replaced by cysteine, an amino acid with highly dissimilar properties. This amino acid position is well conserved in available vertebrate species. In addition, the in silico prediction for this alteration is inconclusive. Since supporting evidence is limited at this time, the clinical significance of this alteration remains unclear.